The following is an entry in ClinVar:

NM_138691.3(TMC1):c.2275C>T (p.Arg759Cys)

Gene: TMC1 (transmembrane channel like 1; plus strand). Cytogenetic location: 9q21.13.
Variant type: single nucleotide variant.
Coding change: c.2275C>T on transcript NM_138691.3 (MANE Select); coding-DNA position 2275, C replaced by T.
Protein change: p.Arg759Cys; replaces arginine 759 with cysteine.
Molecular consequence: missense variant.
Genome position (GRCh38, 1-based): chr9:72,835,965, C>T. VCF-style: chr9-72835965-C-T. GRCh37 (hg19) VCF-style: chr9-75450881-C-T.
Other names: short protein forms R759C.
Identifiers: ClinVar variation 77709 (VCV000077709.8), dbSNP rs142073640, ClinGen allele CA5082276.
Genomic context (GRCh38, chr9:72,835,965, plus strand): 5'-CTCTCTCCTTGTTTTTTTTTTTTTTTTTTTTCTGTTTTGTGAACAGCTGCAGCTGCTGGT[C>T]GCCAGTAATAAGTATCCTGAGAGCCCAGAAAAGGTACACTTTGCCTTGCTGTTTAAAAGT-3'
Protein context (NP_619636.2, residues 749-760): AAARAAAAAG[Arg759Cys]Q

ClinVar aggregate classification (germline): Conflicting classifications of pathogenicity. Review status: criteria provided, conflicting classifications (1 of 4 stars). 4 submissions from 3 submitters: Uncertain significance (3); Likely benign (1). Last evaluated 2025-06-27.

Conditions:
Autosomal dominant nonsyndromic hearing loss 36. Identifiers: Orphanet 90635, MedGen C1847626, MONDO:0011708, OMIM 606705.
Autosomal recessive nonsyndromic hearing loss 7. Also called: DEAFNESS, AUTOSOMAL RECESSIVE 11. Identifiers: Orphanet 90636, MedGen C1832978, MONDO:0010967, OMIM 600974.

Allele frequency attached by ClinVar (database versions not stated): 1000 Genomes Project 0.00040; ExAC 0.00001; gnomAD 0.00002 and 0.00004; gnomAD exomes below 0.00001 and 0.00003; 1000 Genomes Project 30x 0.00047.
gnomAD v4.1: 12 of 1,519,070 alleles (0.00079%); highest among the groups gnomAD compares: East Asian, 0.014%; no homozygotes.

Submissions (4):

GeneDx
Classification: Uncertain significance. Last evaluated: 2025-06-27. Review status: criteria provided, single submitter. Criteria: GeneDx Variant Classification Process June 2021. Collection method: clinical testing. Allele origin: germline.
Comment: In silico analysis suggests that this missense variant does not alter protein structure/function; Has not been previously published as pathogenic or benign to our knowledge

Labcorp Genetics (formerly Invitae), Labcorp
Classification: Uncertain significance. Last evaluated: 2022-01-03. Review status: criteria provided, single submitter. Criteria: Invitae Variant Classification Sherloc (09022015). Collection method: clinical testing. Allele origin: germline.
Comment: This sequence change replaces arginine, which is basic and polar, with cysteine, which is neutral and slightly polar, at codon 759 of the TMC1 protein (p.Arg759Cys). The frequency data for this variant in the population databases is considered unreliable, as metrics indicate poor data quality at this position in the gnomAD database. This variant has not been reported in the literature in individuals affected with TMC1-related conditions. ClinVar contains an entry for this variant (Variation ID: 77709). Algorithms developed to predict the effect of missense changes on protein structure and function are either unavailable or do not agree on the potential impact of this missense change (SIFT: "Tolerated"; PolyPhen-2: "Not Available"; Align-GVGD: "Class C0"). In summary, the available evidence is currently insufficient to determine the role of this variant in disease. Therefore, it has been classified as a Variant of Uncertain Significance.

Illumina Laboratory Services, Illumina
Classification: Likely benign for Autosomal dominant nonsyndromic hearing loss 36. Last evaluated: 2018-01-13. Review status: criteria provided, single submitter. Criteria: ICSL Variant Classification Criteria 13 December 2019. Collection method: clinical testing. Allele origin: germline.
Comment: This variant was observed in the ICSL laboratory as part of a predisposition screen in an ostensibly healthy population. It had not been previously curated by ICSL or reported in the Human Gene Mutation Database (HGMD: prior to June 1st, 2018), and was therefore a candidate for classification through an automated scoring system. Utilizing variant allele frequency, disease prevalence and penetrance estimates, and inheritance mode, an automated score was calculated to assess if this variant is too frequent to cause the disease. Based on the score and internal cut-off values, a variant classified as likely benign is not then subjected to further curation. The score for this variant resulted in a classification of likely benign for this disease.

Illumina Laboratory Services, Illumina
Classification: Uncertain significance for Autosomal recessive nonsyndromic hearing loss 7. Last evaluated: 2018-01-13. Review status: criteria provided, single submitter. Criteria: ICSL Variant Classification Criteria 13 December 2019. Collection method: clinical testing. Allele origin: germline.